The following is an entry in ClinVar:

ClinVar aggregate classification (germline): Likely pathogenic (1 of 4 stars; one submission).

Conditions:
Pontoneocerebellar hypoplasia. Also called: Non-syndromic pontocerebellar hypoplasia; Pontocerebellar hypoplasia. Identifiers: Orphanet 98523, MedGen C1261175, MONDO:0020135.

Submission:

Women's Health and Genetics/Laboratory Corporation of America, LabCorp
Classification: Likely pathogenic for Pontoneocerebellar hypoplasia. Last evaluated: 2023-03-10. Review status: criteria provided, single submitter. Criteria: LabCorp Variant Classification Summary - May 2015. Collection method: clinical testing. Allele origin: germline.
Comment: Variant summary: RARS2 c.1490C>G (p.Ser497X) results in a premature termination codon, predicted to cause a truncation of the encoded protein or absence of the protein due to nonsense mediated decay, which are commonly known mechanisms for disease. Truncations downstream of this position have been classified as pathogenic in ClinVar and have been reported in association with Pontocerebellar Hypoplasia in HGMD. The variant was absent in 251444 control chromosomes. To our knowledge, no occurrence of c.1490C>G in individuals affected with Pontocerebellar Hypoplasia, Type 6 and no experimental evidence demonstrating its impact on protein function have been reported. No clinical diagnostic laboratories have submitted clinical-significance assessments for this variant to ClinVar after 2014. Based on the evidence outlined above, the variant was classified as likely pathogenic.

NM_020320.5(RARS2):c.1490C>G (p.Ser497Ter)

Gene: RARS2 (arginyl-tRNA synthetase 2, mitochondrial; minus strand). Cytogenetic location: 6q15.
Variant type: single nucleotide variant.
Coding change: c.1490C>G on transcript NM_020320.5 (MANE Select); coding-DNA position 1490, C replaced by G.
Protein change: p.Ser497Ter; replaces serine 497 with a stop codon.
Molecular consequence: nonsense. On other transcripts: non-coding transcript variant (19).
Genome position (GRCh38, 1-based): chr6:87,518,190, G>C on the plus strand (C>G on the coding strand, the complement: RARS2 is on the minus strand). VCF-style: chr6-87518190-G-C. GRCh37 (hg19) VCF-style: chr6-88227908-G-C.
Other names: c.965C>G, p.Ser322Ter (NM_001318785.2, NM_001350506.2, NM_001350507.2 and 4 more transcripts); c.1490C>G, p.Ser497Ter (NM_001350505.2); short protein forms S322*, S497*.
Identifiers: ClinVar variation 2501237 (VCV002501237.1), dbSNP rs2483060451, ClinGen allele CA364920725.
Genomic context (GRCh38, chr6:87,518,190, plus strand): 5'-AGCAGAAGCACACTTGATGATCCCTGGAAAACATCATACCTGAGAAGATGCTGAAGAATT[G>C]AAACAGACTGTGGCTCTTGTAAACAAGCAGTGTTGAAGTCATTCAGGTACCCACATCCAA-3'